The following is an entry in ClinVar:

NM_025132.4(WDR19):c.650A>G (p.Asn217Ser)

Gene: WDR19 (WD repeat domain 19; plus strand). Cytogenetic location: 4p14.
Variant type: single nucleotide variant.
Coding change: c.650A>G on transcript NM_025132.4 (MANE Select); coding-DNA position 650, A replaced by G.
Protein change: p.Asn217Ser; replaces asparagine 217 with serine.
Molecular consequence: missense variant.
Genome position (GRCh38, 1-based): chr4:39,205,200, A>G. VCF-style: chr4-39205200-A-G. GRCh37 (hg19) VCF-style: chr4-39206820-A-G.
Other names: c.170A>G, p.Asn57Ser (NM_001317924.2); short protein forms N217S, N57S.
Identifiers: ClinVar variation 2063630 (VCV002063630.4), dbSNP rs2475082176, ClinGen allele CA356633881.

ClinVar aggregate classification (germline): Uncertain significance (1 of 4 stars; one submission).

Conditions:
Senior-Loken syndrome 8 (SLSN8). Identifiers: Orphanet 3156, MedGen C4225376, MONDO:0014579, OMIM 616307.
Asphyxiating thoracic dystrophy 5 (SRTD5). Also called: SHORT-RIB THORACIC DYSPLASIA 5 WITH OR WITHOUT POLYDACTYLY; SHORT-RIB THORACIC DYSPLASIA 5 WITHOUT POLYDACTYLY. Identifiers: Orphanet 474, MedGen C3280598, MONDO:0013717, OMIM 614376.

Submission:

Labcorp Genetics (formerly Invitae), Labcorp
Classification: Uncertain significance for Senior-Loken syndrome 8; Asphyxiating thoracic dystrophy 5. Last evaluated: 2021-12-28. Review status: criteria provided, single submitter. Criteria: Invitae Variant Classification Sherloc (09022015). Collection method: clinical testing. Allele origin: germline.
Comment: Algorithms developed to predict the effect of missense changes on protein structure and function output the following: SIFT: "Tolerated"; PolyPhen-2: "Benign"; Align-GVGD: "Class C0". The serine amino acid residue is found in multiple mammalian species, which suggests that this missense change does not adversely affect protein function. This variant has not been reported in the literature in individuals affected with WDR19-related conditions. This variant is not present in population databases (gnomAD no frequency). This sequence change replaces asparagine, which is neutral and polar, with serine, which is neutral and polar, at codon 217 of the WDR19 protein (p.Asn217Ser). In summary, the available evidence is currently insufficient to determine the role of this variant in disease. Therefore, it has been classified as a Variant of Uncertain Significance.